The following is an entry in ClinVar:

ClinVar aggregate classification (germline): Uncertain significance (1 of 4 stars; one submission).

Conditions:
Hereditary cancer-predisposing syndrome. Also called: Tumor predisposition; Hereditary Cancer Syndrome; Hereditary neoplastic syndrome; Neoplastic Syndromes, Hereditary. Identifiers: Orphanet 140162, MedGen C0027672, MeSH D009386, MONDO:0015356.

gnomAD v4.1: 1 of 1,581,160 alleles (0.000063%); no homozygotes.

Submission:

Ambry Genetics
Classification: Uncertain significance for Hereditary cancer-predisposing syndrome. Last evaluated: 2024-01-30. Review status: criteria provided, single submitter. Criteria: Ambry Variant Classification Scheme 2023. Collection method: clinical testing. Allele origin: germline.
Comment: The c.-4C>A variant is located in the 5' untranslated region (5&rsquo; UTR) of the CDKN2A gene. This variant results from a C to A substitution 4 bases upstream from the first translated codon. This nucleotide position is highly conserved in available vertebrate species. Based on the available evidence, the clinical significance of this alteration remains unclear.

NM_000077.5(CDKN2A):c.-4C>A

Genes: CDKN2A (cyclin dependent kinase inhibitor 2A; minus strand), LOC130001603 (ATAC-STARR-seq lymphoblastoid silent region 19811; plus strand). Cytogenetic location: 9p21.3.
Variant type: single nucleotide variant.
Coding change: c.-4C>A on transcript NM_000077.5; 4 bases upstream of the start codon, C replaced by A.
Molecular consequence: 5 prime UTR variant (on NM_001195132.2). On other transcripts: intron variant (2).
Genome position (GRCh38, 1-based): chr9:21,974,831, G>T on the plus strand (C>A on the coding strand, the complement: CDKN2A is on the minus strand). VCF-style: chr9-21974831-G-T. GRCh37 (hg19) VCF-style: chr9-21974830-G-T.
Other names: c.-4C>A (NM_000077.6, NM_001195132.2, NM_058197.5); c.-3-3623C>A (NM_001363763.2); c.194-3623C>A (NM_058195.4).
Identifiers: ClinVar variation 3230261 (VCV003230261.1), dbSNP rs2131114349, ClinGen allele CA2689599233.
Genomic context (GRCh38, chr9:21,974,831, plus strand): 5'-GGCCGTGGCCAGCCAGTCAGCCGAAGGCTCCATGCTGCTCCCCGCCGCCGGCTCCATGCT[G>T]CTCCCCGCCGCCCGCTGCCTGCTCTCCCCCTCTCCGCAGCCGCCGAGCGCACGCGGTCCG-3'